The following is an entry in ClinVar:

ClinVar aggregate classification (germline): Uncertain significance. Review status: criteria provided, multiple submitters, no conflicts (2 of 4 stars). 2 submissions from 2 submitters: Uncertain significance (2). Last evaluated 2024-11-12.

Conditions:
Inborn genetic diseases. Identifiers: MedGen C0950123, MeSH D030342.
Congenital myasthenic syndrome 8. Also called: Myasthenic syndrome, congenital, 8, with pre- and postsynaptic defects; MYASTHENIC SYNDROME, CONGENITAL, DUE TO AGRIN DEFICIENCY. Identifiers: Orphanet 590, MedGen C3808739, MONDO:0014052, OMIM 615120.

Submissions (2):

Ambry Genetics
Classification: Uncertain significance for Inborn genetic diseases. Last evaluated: 2024-11-12. Review status: criteria provided, single submitter. Criteria: Ambry Variant Classification Scheme 2023. Collection method: clinical testing. Allele origin: germline.

Labcorp Genetics (formerly Invitae), Labcorp
Classification: Uncertain significance for Congenital myasthenic syndrome 8. Last evaluated: 2022-08-09. Review status: criteria provided, single submitter. Criteria: Invitae Variant Classification Sherloc (09022015). Collection method: clinical testing. Allele origin: germline.
Comment: This sequence change replaces glycine, which is neutral and non-polar, with aspartic acid, which is acidic and polar, at codon 289 of the AGRN protein (p.Gly289Asp). In summary, the available evidence is currently insufficient to determine the role of this variant in disease. Therefore, it has been classified as a Variant of Uncertain Significance. Algorithms developed to predict the effect of missense changes on protein structure and function are either unavailable or do not agree on the potential impact of this missense change (SIFT: "Deleterious"; PolyPhen-2: "Probably Damaging"; Align-GVGD: "Class C0"). ClinVar contains an entry for this variant (Variation ID: 1466047). This variant has not been reported in the literature in individuals affected with AGRN-related conditions. This variant is not present in population databases (gnomAD no frequency).

NM_198576.4(AGRN):c.866G>A (p.Gly289Asp)

Gene: AGRN (agrin; plus strand). Cytogenetic location: 1p36.33.
Variant type: single nucleotide variant.
Coding change: c.866G>A on transcript NM_198576.4 (MANE Select); coding-DNA position 866, G replaced by A.
Protein change: p.Gly289Asp; replaces glycine 289 with aspartic acid.
Molecular consequence: missense variant.
Genome position (GRCh38, 1-based): chr1:1,041,311, G>A. VCF-style: chr1-1041311-G-A. GRCh37 (hg19) VCF-style: chr1-976691-G-A.
Other names: c.866G>A (NM_198576.3); c.866G>A, p.Gly289Asp (NM_001305275.2); c.551G>A, p.Gly184Asp (NM_001364727.2); short protein forms G184D, G289D.
Identifiers: ClinVar variation 1466047 (VCV001466047.7), dbSNP rs2100633451, ClinGen allele CA337824568.